The following is an entry in ClinVar:

NM_000059.4(BRCA2):c.4682A>G (p.His1561Arg)

Gene: BRCA2 (BRCA2 DNA repair associated; plus strand). Cytogenetic location: 13q13.1.
Variant type: single nucleotide variant.
Coding change: c.4682A>G on transcript NM_000059.4 (MANE Select); coding-DNA position 4682, A replaced by G.
Protein change: p.His1561Arg; replaces histidine 1561 with arginine.
Molecular consequence: missense variant.
Genome position (GRCh38, 1-based): chr13:32,339,037, A>G. VCF-style: chr13-32339037-A-G. GRCh37 (hg19) VCF-style: chr13-32913174-A-G.
Other names: short protein forms H1561R.
Identifiers: ClinVar variation 945638 (VCV000945638.10), dbSNP rs2072510587, ClinGen allele CA387782824.

ClinVar aggregate classification (germline): Conflicting classifications of pathogenicity. Review status: criteria provided, conflicting classifications (1 of 4 stars). 2 submissions from 2 submitters: Uncertain significance (1); Likely benign (1). Last evaluated 2025-01-23.

Conditions:
Hereditary cancer-predisposing syndrome. Also called: Neoplastic Syndromes, Hereditary; Hereditary Cancer Syndrome; Tumor predisposition; Hereditary neoplastic syndrome. Identifiers: Orphanet 140162, MedGen C0027672, MeSH D009386, MONDO:0015356.
Hereditary breast ovarian cancer syndrome. Also called: Hereditary breast and ovarian cancer syndrome (HBOC); Hereditary breast and ovarian cancer; Breast and ovarian cancer; BRCA1- and BRCA2-Associated Hereditary Breast and Ovarian Cancer; Hereditary breast and ovarian cancer syndrome; Hereditary breast and/or ovarian cancer syndrome. Identifiers: Orphanet 145, MedGen C0677776, MeSH D061325, MONDO:0003582. Disease mechanism: loss of function.

Submissions (2):

Labcorp Genetics (formerly Invitae), Labcorp
Classification: Uncertain significance for Hereditary breast ovarian cancer syndrome. Last evaluated: 2025-01-23. Review status: criteria provided, single submitter. Criteria: Invitae Variant Classification Sherloc (09022015). Collection method: clinical testing. Allele origin: germline.
Comment: This sequence change replaces histidine, which is basic and polar, with arginine, which is basic and polar, at codon 1561 of the BRCA2 protein (p.His1561Arg). This variant is not present in population databases (gnomAD no frequency). This variant has not been reported in the literature in individuals affected with BRCA2-related conditions. ClinVar contains an entry for this variant (Variation ID: 945638). Invitae Evidence Modeling of protein sequence and biophysical properties (such as structural, functional, and spatial information, amino acid conservation, physicochemical variation, residue mobility, and thermodynamic stability) indicates that this missense variant is not expected to disrupt BRCA2 protein function with a negative predictive value of 95%. In summary, the available evidence is currently insufficient to determine the role of this variant in disease. Therefore, it has been classified as a Variant of Uncertain Significance.

University of Washington Department of Laboratory Medicine, University of Washington
Classification: Likely benign for Hereditary cancer-predisposing syndrome. Last evaluated: 2023-03-23. Review status: criteria provided, single submitter. Criteria: Dines et al. (Genet Med. 2020). Collection method: curation. Allele origin: germline.
Comment: Missense variant in a coldspot region where missense variants are very unlikely to be pathogenic (PMID:31911673).

BRCA2 exon 11 coldspot. Reclassification based on statistical prior probability.